The following is an entry in ClinVar:

ClinVar aggregate classification (germline): Likely benign. Review status: criteria provided, multiple submitters, no conflicts (2 of 4 stars). 2 submissions from 2 submitters: Likely benign (2). Last evaluated 2024-08-31.

Allele frequency attached by ClinVar (database versions not stated): ExAC 0.00005; ESP Exome Variant Server 0.00008.
gnomAD v4.1: 63 of 1,614,024 alleles (0.0039%); highest among the groups gnomAD compares: Middle Eastern, 0.033%; no homozygotes.

Submissions (2):

Labcorp Genetics (formerly Invitae), Labcorp
Classification: Likely benign. Last evaluated: 2024-08-31. Review status: criteria provided, single submitter. Criteria: Invitae Variant Classification Sherloc (09022015). Collection method: clinical testing. Allele origin: germline.

CeGaT Center for Human Genetics Tuebingen
Classification: Likely benign. Last evaluated: 2024-07-01. Review status: criteria provided, single submitter. Criteria: CeGaT Center For Human Genetics Tuebingen Variant Classification Criteria Version 2. Collection method: clinical testing. Allele origin: germline. Affected: yes. Observed: 1 variant allele.
Comment: KATNIP: BP4, BP7

NM_015202.5(KATNIP):c.2982C>T (p.Asn994=)

Gene: KATNIP (katanin interacting protein; plus strand). Cytogenetic location: 16p12.1.
Variant type: single nucleotide variant.
Coding change: c.2982C>T on transcript NM_015202.5 (MANE Select); coding-DNA position 2982, C replaced by T.
Protein change: p.Asn994=; no amino-acid change (asparagine 994 retained).
Molecular consequence: synonymous variant.
Genome position (GRCh38, 1-based): chr16:27,749,942, C>T. VCF-style: chr16-27749942-C-T. GRCh37 (hg19) VCF-style: chr16-27761263-C-T.
Identifiers: ClinVar variation 2415111 (VCV002415111.22), dbSNP rs144188578, ClinGen allele CA7978120.